The following is an entry in ClinVar:

ClinVar aggregate classification (germline): Likely pathogenic (1 of 4 stars; one submission).

Conditions:
Monogenic hearing loss.

Submission:

Genetics Laboratory, Great Ormond Street Hospital NHS Foundation Trust, North Thames Genomic Laboratory Hub
Classification: Likely pathogenic for Monogenic hearing loss. Last evaluated: 2025-08-19. Review status: criteria provided, single submitter. Criteria: ACGS Best Practice Guidelines for Variant Classification in Rare Disease 2024 v1.2. Collection method: clinical testing. Allele origin: germline. Affected: yes.
Comment: PM2_moderate, PVS1_strong

NM_005982.4(SIX1):c.513G>A (p.Trp171Ter)

Genes: MIR9718 (microRNA 9718; plus strand), SIX1 (SIX homeobox 1; minus strand). Cytogenetic location: 14q23.1.
Variant type: single nucleotide variant.
Coding change: c.513G>A on transcript NM_005982.4 (MANE Select); coding-DNA position 513, G replaced by A.
Protein change: p.Trp171Ter; replaces tryptophan 171 with a stop codon.
Molecular consequence: nonsense. On other transcripts: non-coding transcript variant (1), intron variant (1).
Genome position (GRCh38, 1-based): chr14:60,648,677, C>T on the plus strand (G>A on the coding strand, the complement: SIX1 is on the minus strand). VCF-style: chr14-60648677-C-T. GRCh37 (hg19) VCF-style: chr14-61115395-C-T.
Other names: c.501+12G>A (NM_001425142.1); short protein forms W171*.
Identifiers: ClinVar variation 4280674 (VCV004280674.1).
Genomic context (GRCh38, chr14:60,648,677, plus strand): 5'-GCACGCCGCGTACCTTTCCTTGGCCTCCGCGGCCCGGTCTCTTTGCCTCCGGTTCTTAAA[C>T]CAGTTGCTGACCTGGGTGGTGGTGAGGCCGGTGGCCTCGGCCAGCTCCCGCTTCTCACGC-3'